The following is an entry in ClinVar:

NM_003094.4(SNRPE):c.54+219C>T

Gene: SNRPE (small nuclear ribonucleoprotein polypeptide E; plus strand). Cytogenetic location: 1q32.1.
Variant type: single nucleotide variant.
Coding change: c.54+219C>T on transcript NM_003094.4 (MANE Select); 219 bases into the intron after coding-DNA position 54, C replaced by T.
Molecular consequence: intron variant. On other transcripts: missense variant (1), nonsense (1).
Genome position (GRCh38, 1-based): chr1:203,861,932, C>T. VCF-style: chr1-203861932-C-T. GRCh37 (hg19) VCF-style: chr1-203831060-C-T.
Other names: NC_000001.10:g.203831060C>T; c.11C>T, p.Ala4Val (NM_001328637.2); c.19C>T, p.Gln7Ter (NM_001328638.2); c.16+189C>T (NM_001304464.2); short protein forms A4V, Q7*.
Identifiers: ClinVar variation 3038971 (VCV003038971.4), dbSNP rs183028927, ClinGen allele CA35738156.

ClinVar aggregate classification (germline): Uncertain significance. Review status: criteria provided, single submitter (1 of 4 stars). 2 submissions from 2 submitters: Uncertain significance (1). 1 of the submissions does not count toward it. Last evaluated 2023-02-06.

Conditions:
SNRPE-related disorder. Also called: SNRPE-related condition.
Hypotrichosis 11 (HYPT11). Identifiers: Orphanet 55654, MedGen C3554409, MONDO:0014027, OMIM 615059.

Allele frequency attached by ClinVar (database versions not stated): 1000 Genomes Project 30x 0.00187; 1000 Genomes Project 0.00200; TOPMed 0.00462; gnomAD 0.00556; gnomAD exomes 0.00664.
gnomAD v4.1: 3,868 of 613,250 alleles (0.63%); highest among the groups gnomAD compares: Non-Finnish European, 0.87%; 18 homozygotes.

Submissions (5):

Department of Pathology and Laboratory Medicine, Sinai Health System
Classification: Uncertain significance for Hypotrichosis 11. Last evaluated: 2023-02-06. Review status: criteria provided, single submitter. Criteria: ACMG Guidelines, 2015. Collection method: research. Allele origin: germline.

PreventionGenetics, part of Exact Sciences
Classification: Likely benign for SNRPE-related condition. Last evaluated: 2019-05-24. Review status: no assertion criteria provided. Collection method: clinical testing. Allele origin: germline. Not counted in ClinVar's aggregate classification.
Comment: This variant is classified as likely benign based on ACMG/AMP sequence variant interpretation guidelines (Richards et al. 2015 PMID: 25741868, with internal and published modifications).

Dr. Peter K. Rogan Lab, Western University
No classification provided (evidence only). Condition: Gastric cancer. Review status: no classification provided. Collection method: in vitro. Allele origin: not applicable. Functional consequence: retained intron. Not counted in ClinVar's aggregate classification.

Dr. Peter K. Rogan Lab, Western University
No classification provided (evidence only). Condition: Familial pancreatic carcinoma. Review status: no classification provided. Collection method: in vitro. Allele origin: not applicable. Functional consequence: retained intron. Not counted in ClinVar's aggregate classification.

Dr. Peter K. Rogan Lab, Western University
No classification provided (evidence only). Condition: Lymphoma. Review status: no classification provided. Collection method: in vitro. Allele origin: not applicable. Functional consequence: retained intron. Not counted in ClinVar's aggregate classification.